The following is an entry in ClinVar:

ClinVar aggregate classification (germline): Uncertain significance. Review status: criteria provided, multiple submitters, no conflicts (2 of 4 stars). 2 submissions from 2 submitters: Uncertain significance (2). Last evaluated 2023-12-08.

Conditions:
Early-infantile DEE. Also called: Ohtahara syndrome; Early infantile epileptic encephalopathy; Early infantile epileptic encephalopathy with suppression bursts. Identifiers: Orphanet 1934, MedGen C0393706, MONDO:0800491.

Allele frequency attached by ClinVar (database versions not stated): gnomAD 0.00001; TOPMed below 0.00001; gnomAD exomes below 0.00001.
gnomAD v4.1: 11 of 1,614,024 alleles (0.00068%); highest among the groups gnomAD compares: African/African-American, 0.004%; no homozygotes.

Submissions (2):

Labcorp Genetics (formerly Invitae), Labcorp
Classification: Uncertain significance for Early-infantile DEE. Last evaluated: 2023-12-08. Review status: criteria provided, single submitter. Criteria: Invitae Variant Classification Sherloc (09022015). Collection method: clinical testing. Allele origin: germline.
Comment: This sequence change replaces arginine, which is basic and polar, with histidine, which is basic and polar, at codon 2142 of the SPTAN1 protein (p.Arg2142His). This variant is present in population databases (rs796053324, gnomAD 0.003%). This variant has not been reported in the literature in individuals affected with SPTAN1-related conditions. ClinVar contains an entry for this variant (Variation ID: 207353). Advanced modeling of protein sequence and biophysical properties (such as structural, functional, and spatial information, amino acid conservation, physicochemical variation, residue mobility, and thermodynamic stability) has been performed at Invitae for this missense variant, however the output from this modeling did not meet the statistical confidence thresholds required to predict the impact of this variant on SPTAN1 protein function. In summary, the available evidence is currently insufficient to determine the role of this variant in disease. Therefore, it has been classified as a Variant of Uncertain Significance.

GeneDx
Classification: Uncertain significance. Last evaluated: 2014-03-24. Review status: criteria provided, single submitter. Criteria: GeneDx Variant Classification (06012015). Collection method: clinical testing. Allele origin: germline. Affected: yes.
Comment: p.Arg2142His (CGC>CAC): c.6425 G>A in exon 49 of the SPTAN1 gene (NM_001130438.2) The Arg2142His variant has not been published as a mutation, nor has it been reported as a benign polymorphism to our knowledge. It was not observed in approximately 6,500 individuals of European and African American ancestry in the NHLBI Exome Sequencing Project, indicating it is not a common benign variant in these populations. The Arg2142His variant is a conservative amino acid substitution, which is not likely to impact secondary protein structure as these residues share similar properties. However, this substitution occurs at a position that is highly conserved across species. In silico analysis predicts this variant is probably damaging to the protein structure/function. Therefore, based on the currently available information, it is unclear whether this variant is a pathogenic mutation or a rare benign variant. The variant is found in INFANT-EPI,EPILEPSY panel(s).

NM_001130438.3(SPTAN1):c.6425G>A (p.Arg2142His)

Gene: SPTAN1 (spectrin alpha, non-erythrocytic 1; plus strand). Cytogenetic location: 9q34.11.
Variant type: single nucleotide variant.
Coding change: c.6425G>A on transcript NM_001130438.3 (MANE Select); coding-DNA position 6425, G replaced by A.
Protein change: p.Arg2142His; replaces arginine 2142 with histidine.
Molecular consequence: missense variant.
Genome position (GRCh38, 1-based): chr9:128,626,536, G>A. VCF-style: chr9-128626536-G-A. GRCh37 (hg19) VCF-style: chr9-131388815-G-A.
Other names: p.R2142H:CGC>CAC; c.6350G>A, p.Arg2117His (NM_001195532.2); c.6425G>A, p.Arg2142His (NM_001363759.2); c.6365G>A, p.Arg2122His (NM_001363765.2); c.6410G>A, p.Arg2137His (NM_003127.4); short protein forms R2142H, R2122H, R2137H, R2117H.
Identifiers: ClinVar variation 207353 (VCV000207353.5), dbSNP rs796053324, ClinGen allele CA318736.